The following is an entry in ClinVar:

ClinVar aggregate classification (germline): Uncertain significance (1 of 4 stars; one submission).

Conditions:
Primary dilated cardiomyopathy (DCM). Also called: Dilated Cardiomyopathy. Identifiers: Orphanet 217604, MedGen C0007193, MeSH D002311, MONDO:0005021, HP:0001644. Inheritance: Various modes of inheritance.
Hypertrophic cardiomyopathy. Also called: HYPERTROPHIC MYOCARDIOPATHY. Identifiers: Orphanet 217569, MedGen C0007194, MeSH D002312, MONDO:0005045, HP:0001639.

Allele frequency attached by ClinVar (database versions not stated): TOPMed below 0.00001; gnomAD 0.00001.
gnomAD v4.1: 1 of 1,614,112 alleles (0.000062%); highest among the groups gnomAD compares: African/African-American, 0.0013%; no homozygotes.

Submission:

Labcorp Genetics (formerly Invitae), Labcorp
Classification: Uncertain significance for Hypertrophic cardiomyopathy; Primary dilated cardiomyopathy. Last evaluated: 2023-10-24. Review status: criteria provided, single submitter. Criteria: Invitae Variant Classification Sherloc (09022015). Collection method: clinical testing. Allele origin: germline.
Comment: This sequence change replaces asparagine, which is neutral and polar, with serine, which is neutral and polar, at codon 120 of the PDLIM3 protein (p.Asn120Ser). This variant is not present in population databases (gnomAD no frequency). This variant has not been reported in the literature in individuals affected with PDLIM3-related conditions. An algorithm developed to predict the effect of missense changes on protein structure and function (PolyPhen-2) suggests that this variant is likely to be disruptive. In summary, the available evidence is currently insufficient to determine the role of this variant in disease. Therefore, it has been classified as a Variant of Uncertain Significance.

NM_014476.6(PDLIM3):c.359A>G (p.Asn120Ser)

Genes: PDLIM3 (PDZ and LIM domain 3; minus strand), LOC126807246 (BRD4-independent group 4 enhancer GRCh37_chr4:186434842-186436041; plus strand). Cytogenetic location: 4q35.1.
Variant type: single nucleotide variant.
Coding change: c.359A>G on transcript NM_014476.6 (MANE Select); coding-DNA position 359, A replaced by G.
Protein change: p.Asn120Ser; replaces asparagine 120 with serine.
Molecular consequence: missense variant. On other transcripts: intron variant (1).
Genome position (GRCh38, 1-based): chr4:185,514,309, T>C on the plus strand (A>G on the coding strand, the complement: PDLIM3 is on the minus strand). VCF-style: chr4-185514309-T-C. GRCh37 (hg19) VCF-style: chr4-186435463-T-C.
Other names: c.359A>G, p.Asn120Ser (NM_001257962.2); c.122A>G, p.Asn41Ser (NM_001257963.2); c.518+394A>G (NM_001114107.5); short protein forms N41S, N120S.
Identifiers: ClinVar variation 2926413 (VCV002926413.3), dbSNP rs2095711296, ClinGen allele CA358924976.